The following is an entry in ClinVar:

ClinVar aggregate classification (germline): Uncertain significance (1 of 4 stars; one submission).

Conditions:
Chédiak-Higashi syndrome (CHS). Also called: Chediak-Higashi Syndrome. Identifiers: Orphanet 167, MedGen C0007965, MONDO:0008963, OMIM 214500.

Allele frequency attached by ClinVar (database versions not stated): gnomAD exomes below 0.00001.
gnomAD v4.1: 3 of 1,614,016 alleles (0.00019%); highest among the groups gnomAD compares: Non-Finnish European, 0.00025%; no homozygotes.

Submission:

Labcorp Genetics (formerly Invitae), Labcorp
Classification: Uncertain significance for Chédiak-Higashi syndrome. Last evaluated: 2021-08-11. Review status: criteria provided, single submitter. Criteria: Invitae Variant Classification Sherloc (09022015). Collection method: clinical testing. Allele origin: germline.
Comment: In summary, the available evidence is currently insufficient to determine the role of this variant in disease. Therefore, it has been classified as a Variant of Uncertain Significance. Algorithms developed to predict the effect of missense changes on protein structure and function are either unavailable or do not agree on the potential impact of this missense change (SIFT: "Deleterious"; PolyPhen-2: "Probably Damaging"; Align-GVGD: "Class C0"). This variant has not been reported in the literature in individuals affected with LYST-related conditions. This variant is not present in population databases (ExAC no frequency). This sequence change replaces arginine with glycine at codon 3220 of the LYST protein (p.Arg3220Gly). The arginine residue is moderately conserved and there is a moderate physicochemical difference between arginine and glycine.

NM_000081.4(LYST):c.9658A>G (p.Arg3220Gly)

Gene: LYST (lysosomal trafficking regulator; minus strand). Cytogenetic location: 1q42.3.
Variant type: single nucleotide variant.
Coding change: c.9658A>G on transcript NM_000081.4 (MANE Select); coding-DNA position 9658, A replaced by G.
Protein change: p.Arg3220Gly; replaces arginine 3220 with glycine.
Molecular consequence: missense variant.
Genome position (GRCh38, 1-based): chr1:235,715,327, T>C on the plus strand (A>G on the coding strand, the complement: LYST is on the minus strand). VCF-style: chr1-235715327-T-C. GRCh37 (hg19) VCF-style: chr1-235878627-T-C.
Other names: c.9658A>G, p.Arg3220Gly (NM_001301365.1); short protein forms R3220G.
Identifiers: ClinVar variation 1370341 (VCV001370341.4), dbSNP rs2103136233, ClinGen allele CA344939718.
Genomic context (GRCh38, chr1:235,715,327, plus strand): 5'-TATTGGAATAGTGGGAGCCATAGTGATAGGGCTGCACGGGAGGCATGGGGTCATCTTCTC[T>C]GGCTCCTTTGCGGTACTCTTCCTCCAAGTACTGAAAGAAACGGTGAATCCAGAGAATTCA-3'
Protein context (NP_000072.2, residues 3210-3230): YLEEEYRKGA[Arg3220Gly]EDDPMPPVQP